The following is an entry in ClinVar:

NM_000246.4(CIITA):c.1863dup (p.Glu622fs)

Gene: CIITA (class II major histocompatibility complex transactivator; plus strand). Cytogenetic location: 16p13.13.
Variant type: Duplication.
Coding change: c.1863dup on transcript NM_000246.4 (MANE Select); coding-DNA position 1863, one base duplicated (A; older notation c.1863dupA).
Protein change: p.Glu622fs; shifts the reading frame from glutamic acid 622.
Molecular consequence: frameshift variant. On other transcripts: intron variant (1).
Genome position (GRCh38, 1-based): chr16:10,907,355, A duplicated. VCF-style (leftmost placement, unchanged base first): chr16-10907354-C-CA. GRCh37 (hg19) VCF-style: chr16-11001211-C-CA.
Other names: c.1866dup, p.Glu623fs (NM_001286402.1, NM_001379332.1); c.1719dup, p.Glu574fs (NM_001379330.1); c.1716dup, p.Glu573fs (NM_001379331.1); c.1863dup, p.Glu622fs (NM_001379333.1); c.1794dup, p.Glu599fs (NM_001379334.1); c.860-1628dup (NM_001286403.2); short protein forms E599fs, E622fs, E623fs, E573fs, E574fs.
Identifiers: ClinVar variation 1455424 (VCV001455424.6), dbSNP rs2144723164, ClinGen allele CA2573151895.

ClinVar aggregate classification (germline): Pathogenic (1 of 4 stars; one submission).

Conditions:
MHC class II deficiency. Also called: BLS, TYPE II; Bare lymphocyte syndrome 2. Identifiers: Orphanet 572, MedGen C5447452, MONDO:0008855.

Allele frequency attached by ClinVar (database versions not stated): gnomAD exomes below 0.00001.

Submission:

Labcorp Genetics (formerly Invitae), Labcorp
Classification: Pathogenic for MHC class II deficiency. Last evaluated: 2021-06-14. Review status: criteria provided, single submitter. Criteria: Invitae Variant Classification Sherloc (09022015). Collection method: clinical testing. Allele origin: germline.
Comment: For these reasons, this variant has been classified as Pathogenic. This variant has not been reported in the literature in individuals with CIITA-related conditions. This variant is not present in population databases (ExAC no frequency). This sequence change creates a premature translational stop signal (p.Glu622Argfs*127) in the CIITA gene. It is expected to result in an absent or disrupted protein product. Loss-of-function variants in CIITA are known to be pathogenic (PMID: 8402893, 9099848, 26271388).

Literature cited by the submitters: PubMed 8402893; PubMed 9099848; PubMed 26271388.